The following is an entry in ClinVar:

NM_020944.3(GBA2):c.1723C>T (p.Arg575Trp)

Gene: GBA2 (glucosylceramidase beta 2; minus strand). Cytogenetic location: 9p13.3.
Variant type: single nucleotide variant.
Coding change: c.1723C>T on transcript NM_020944.3 (MANE Select); coding-DNA position 1723, C replaced by T.
Protein change: p.Arg575Trp; replaces arginine 575 with tryptophan.
Molecular consequence: missense variant.
Genome position (GRCh38, 1-based): chr9:35,739,074, G>A on the plus strand (C>T on the coding strand, the complement: GBA2 is on the minus strand). VCF-style: chr9-35739074-G-A. GRCh37 (hg19) VCF-style: chr9-35739071-G-A.
Other names: c.1723C>T, p.Arg575Trp (NM_001330660.2); short protein forms R575W.
Identifiers: ClinVar variation 411201 (VCV000411201.7), dbSNP rs146085561, ClinGen allele CA5050302.

ClinVar aggregate classification (germline): Uncertain significance. Review status: criteria provided, multiple submitters, no conflicts (2 of 4 stars). 2 submissions from 2 submitters: Uncertain significance (2). Last evaluated 2021-08-26.

Conditions:
Spastic paraplegia. Identifiers: MedGen C0037772, HP:0001258.

Allele frequency attached by ClinVar (database versions not stated): TOPMed below 0.00001; gnomAD 0.00001; gnomAD exomes 0.00002 and 0.00004; ExAC 0.00004; ESP Exome Variant Server 0.00008; 1000 Genomes Project 30x 0.00016; 1000 Genomes Project 0.00020.

Submissions (2):

Labcorp Genetics (formerly Invitae), Labcorp
Classification: Uncertain significance for Spastic paraplegia. Last evaluated: 2021-08-26. Review status: criteria provided, single submitter. Criteria: Invitae Variant Classification Sherloc (09022015). Collection method: clinical testing. Allele origin: germline.
Comment: This sequence change replaces arginine with tryptophan at codon 575 of the GBA2 protein (p.Arg575Trp). The arginine residue is weakly conserved and there is a moderate physicochemical difference between arginine and tryptophan. This variant is present in population databases (rs146085561, ExAC 0.01%). This variant has not been reported in the literature in individuals affected with GBA2-related conditions. Algorithms developed to predict the effect of missense changes on protein structure and function are either unavailable or do not agree on the potential impact of this missense change (SIFT: "Deleterious"; PolyPhen-2: "Benign"; Align-GVGD: "Class C0"). In summary, the available evidence is currently insufficient to determine the role of this variant in disease. Therefore, it has been classified as a Variant of Uncertain Significance.

Breakthrough Genomics
Classification: Uncertain significance. Review status: criteria provided, single submitter. Criteria: ACMG Guidelines, 2015. Collection method: not provided. Allele origin: germline. Inheritance: Autosomal recessive inheritance. Affected: yes.